The following is an entry in ClinVar:

ClinVar aggregate classification (germline): Benign (1 of 4 stars; one submission).

Conditions:
Juvenile polyposis/hereditary hemorrhagic telangiectasia syndrome (JPHT). Also called: JP/HHT SYNDROME; JUVENILE POLYPOSIS WITH HEREDITARY HEMORRHAGIC TELANGIECTASIA; POLYPOSIS, GENERALIZED JUVENILE, WITH PULMONARY ARTERIOVENOUS MALFORMATION; TELANGIECTASIA, HEREDITARY HEMORRHAGIC, WITH JUVENILE POLYPOSIS COLI; Juvenile Polyposis Syndrome / Hereditary Hemorrhagic Telangiectasia (JPS/HHT). Identifiers: Orphanet 2929, MedGen C1832942, MONDO:0008278, OMIM 175050.

Submission:

Myriad Genetics, Inc.
Classification: Benign for Juvenile polyposis/hereditary hemorrhagic telangiectasia syndrome. Last evaluated: 2025-03-18. Review status: criteria provided, single submitter. Criteria: Myriad Autosomal Dominant, Autosomal Recessive and X-Linked Classification Criteria (2023). Collection method: clinical testing. Allele origin: unknown.
Comment: This variant is considered benign. This variant is a silent/synonymous amino acid change and it is not expected to impact splicing.

NM_005359.6(SMAD4):c.417T>C (p.Pro139=)

Gene: SMAD4 (SMAD family member 4; plus strand). Cytogenetic location: 18q21.2.
Variant type: single nucleotide variant.
Coding change: c.417T>C on transcript NM_005359.6 (MANE Select); coding-DNA position 417, T replaced by C.
Protein change: p.Pro139=; no amino-acid change (proline 139 retained).
Molecular consequence: synonymous variant. On other transcripts: non-coding transcript variant (2).
Genome position (GRCh38, 1-based): chr18:51,048,853, T>C. VCF-style: chr18-51048853-T-C. GRCh37 (hg19) VCF-style: chr18-48575223-T-C.
Other names: c.417T>C, p.Pro139= (NM_001407041.1, NM_001407042.1, NM_001407043.1).
Identifiers: ClinVar variation 3903613 (VCV003903613.1).
Genomic context (GRCh38, chr18:51,048,853, plus strand): 5'-TGACTTAAAATGTGATAGTGTCTGTGTGAATCCATATCACTACGAACGAGTTGTATCACC[T>C]GGAATTGGTAAGTAGACTTTGCTTTCATCCTAAGAAACATAAAGGGAAAAGGATCTCAAT-3'
Protein context (NP_005350.1, residues 129-149): NPYHYERVVS[Pro139=]GIDLSGLTLQ